The following is an entry in ClinVar:

NM_001009944.3(PKD1):c.5983C>T (p.Arg1995Cys)

Gene: PKD1 (polycystin 1, transient receptor potential channel interacting; minus strand). Cytogenetic location: 16p13.3.
Variant type: single nucleotide variant.
Coding change: c.5983C>T on transcript NM_001009944.3 (MANE Select); coding-DNA position 5983, C replaced by T.
Protein change: p.Arg1995Cys; replaces arginine 1995 with cysteine.
Molecular consequence: missense variant.
Genome position (GRCh38, 1-based): chr16:2,109,184, G>A on the plus strand (C>T on the coding strand, the complement: PKD1 is on the minus strand). VCF-style: chr16-2109184-G-A. GRCh37 (hg19) VCF-style: chr16-2159185-G-A.
Other names: c.5983C>T, p.Arg1995Cys (NM_000296.4); short protein forms R1995C.
Identifiers: ClinVar variation 4985315 (VCV004985315.1).
Genomic context (GRCh38, chr16:2,109,184, plus strand): 5'-CCTGGACCTTCTGCAGCGAGAAGTACCAGGCGTAGGCGACCCGAGAGCCGCGCTGCACGC[G>A]GGCTGTGAAGTTCCTCTCAGTGCCCGTGGCGATGCCAGGCTCGCAGCAGTTGGGCACCTG-3'
Protein context (NP_001009944.3, residues 1985-2005): ATGTERNFTA[Arg1995Cys]VQRGSRVAYA

ClinVar aggregate classification (germline): Uncertain significance (1 of 4 stars; one submission).

Conditions:
PKD1-related disorder. Also called: PKD1-related condition.

gnomAD v4.1: 26 of 1,598,088 alleles (0.0016%); highest among the groups gnomAD compares: East Asian, 0.022%; no homozygotes.

Submission:

PreventionGenetics, part of Exact Sciences
Classification: Uncertain significance for PKD1-related condition. Last evaluated: 2025-07-31. Review status: criteria provided, single submitter. Criteria: ACMG Guidelines, 2015. Collection method: clinical testing. Allele origin: germline.
Comment: The PKD1 c.5983C>T variant is predicted to result in the amino acid substitution p.Arg1995Cys. This variant was reported as "likely pathogenic" in two studies of autosomal dominant polycystic kidney disease (ADPKD), but no sufficient supportive evidence was provided to fully establish the pathogenicity of this variant (Supplemental Table 1, Cornec-Le Gall et al. 2013. PubMed ID: 23431072; Kim et al. 2021. PubMed ID: 32816041). This variant is reported in 0.016% of alleles in individuals of South Asian descent in gnomAD. At this time, the clinical significance of this variant is uncertain due to the absence of conclusive functional and genetic evidence.